The following is an entry in ClinVar:

NM_000135.4(FANCA):c.680A>G (p.His227Arg)

Gene: FANCA (FA complementation group A; minus strand). Cytogenetic location: 16q24.3.
Variant type: single nucleotide variant.
Coding change: c.680A>G on transcript NM_000135.4 (MANE Select); coding-DNA position 680, A replaced by G.
Protein change: p.His227Arg; replaces histidine 227 with arginine.
Molecular consequence: missense variant.
Genome position (GRCh38, 1-based): chr16:89,805,309, T>C on the plus strand (A>G on the coding strand, the complement: FANCA is on the minus strand). VCF-style: chr16-89805309-T-C. GRCh37 (hg19) VCF-style: chr16-89871717-T-C.
Other names: c.680A>G, p.His227Arg (NM_001018112.3, NM_001286167.3); c.584A>G, p.His195Arg (NM_001351830.2); short protein forms H195R, H227R.
Identifiers: ClinVar variation 4022374 (VCV004022374.1).

ClinVar aggregate classification (germline): Uncertain significance (1 of 4 stars; one submission).

Conditions:
Inborn genetic diseases. Identifiers: MedGen C0950123, MeSH D030342.

gnomAD v4.1: 7 of 1,613,902 alleles (0.00043%); highest among the groups gnomAD compares: Non-Finnish European, 0.00059%; no homozygotes.

Submission:

Ambry Genetics
Classification: Uncertain significance for Inborn genetic diseases. Last evaluated: 2025-06-13. Review status: criteria provided, single submitter. Criteria: Ambry Variant Classification Scheme 2023. Collection method: clinical testing. Allele origin: germline.
Comment: The p.H227R variant (also known as c.680A>G), located in coding exon 7 of the FANCA gene, results from an A to G substitution at nucleotide position 680. The histidine at codon 227 is replaced by arginine, an amino acid with highly similar properties. This amino acid position is conserved. In addition, this alteration is predicted to be tolerated by in silico analysis. Based on the available evidence, the clinical significance of this variant remains unclear.